The following is an entry in ClinVar:

NM_032520.5(GNPTG):c.5C>T (p.Ala2Val)

Genes: GNPTG (N-acetylglucosamine-1-phosphate transferase subunit gamma; plus strand), LOC130058158 (ATAC-STARR-seq lymphoblastoid silent region 6972; plus strand). Cytogenetic location: 16p13.3.
Variant type: single nucleotide variant.
Coding change: c.5C>T on transcript NM_032520.5 (MANE Select); coding-DNA position 5, C replaced by T.
Protein change: p.Ala2Val; replaces alanine 2 with valine.
Molecular consequence: missense variant.
Genome position (GRCh38, 1-based): chr16:1,351,970, C>T. VCF-style: chr16-1351970-C-T. GRCh37 (hg19) VCF-style: chr16-1401971-C-T.
Other names: short protein forms A2V.
Identifiers: ClinVar variation 2199876 (VCV002199876.1), dbSNP rs1161652552, ClinGen allele CA394183769.

ClinVar aggregate classification (germline): Uncertain significance (1 of 4 stars; one submission).

Allele frequency attached by ClinVar (database versions not stated): gnomAD 0.00005; TOPMed 0.00005.
gnomAD v4.1: 32 of 1,314,858 alleles (0.0024%); highest among the groups gnomAD compares: Middle Eastern, 0.085%; no homozygotes.

Submission:

Labcorp Genetics (formerly Invitae), Labcorp
Classification: Uncertain significance. Last evaluated: 2022-10-04. Review status: criteria provided, single submitter. Criteria: Invitae Variant Classification Sherloc (09022015). Collection method: clinical testing. Allele origin: germline.
Comment: This sequence change replaces alanine, which is neutral and non-polar, with valine, which is neutral and non-polar, at codon 2 of the GNPTG protein (p.Ala2Val). This variant is present in population databases (no rsID available, gnomAD 0.06%). This variant has not been reported in the literature in individuals affected with GNPTG-related conditions. Algorithms developed to predict the effect of missense changes on protein structure and function output the following: SIFT: "Tolerated"; PolyPhen-2: "Not Available"; Align-GVGD: "Class C0". The valine amino acid residue is found in multiple mammalian species, which suggests that this missense change does not adversely affect protein function. In summary, the available evidence is currently insufficient to determine the role of this variant in disease. Therefore, it has been classified as a Variant of Uncertain Significance.